The following is an entry in ClinVar:

NM_003640.5(ELP1):c.3600G>A (p.Ala1200=)

Gene: ELP1 (elongator acetyltransferase complex subunit 1; minus strand). Cytogenetic location: 9q31.3.
Variant type: single nucleotide variant.
Coding change: c.3600G>A on transcript NM_003640.5 (MANE Select); coding-DNA position 3600, G replaced by A.
Protein change: p.Ala1200=; no amino-acid change (alanine 1200 retained).
Molecular consequence: synonymous variant.
Genome position (GRCh38, 1-based): chr9:108,878,723, C>T on the plus strand (G>A on the coding strand, the complement: ELP1 is on the minus strand). VCF-style: chr9-108878723-C-T. GRCh37 (hg19) VCF-style: chr9-111641003-C-T.
Other names: c.3258G>A, p.Ala1086= (NM_001318360.2); c.2553G>A, p.Ala851= (NM_001330749.2).
Identifiers: ClinVar variation 698909 (VCV000698909.19), dbSNP rs769196025, ClinGen allele CA5174232.

ClinVar aggregate classification (germline): Likely benign. Review status: criteria provided, multiple submitters, no conflicts (2 of 4 stars). 3 submissions from 3 submitters: Likely benign (3). Last evaluated 2026-05-14.

Allele frequency attached by ClinVar (database versions not stated): gnomAD 0.00008 and 0.00007; ExAC 0.00002; gnomAD exomes 0.00004; TOPMed 0.00005.
gnomAD v4.1: 53 of 1,614,062 alleles (0.0033%); highest among the groups gnomAD compares: South Asian, 0.021%; no homozygotes.

Submissions (3):

Ambry Genetics
Classification: Likely benign. Last evaluated: 2026-05-14. Review status: criteria provided, single submitter. Criteria: Ambry Variant Classification Scheme 2023. Collection method: clinical testing. Allele origin: germline.

Labcorp Genetics (formerly Invitae), Labcorp
Classification: Likely benign. Last evaluated: 2026-01-06. Review status: criteria provided, single submitter. Criteria: Invitae Variant Classification Sherloc (09022015). Collection method: clinical testing. Allele origin: germline.

CeGaT Center for Human Genetics Tuebingen
Classification: Likely benign. Last evaluated: 2025-07-01. Review status: criteria provided, single submitter. Criteria: CeGaT Center For Human Genetics Tuebingen Variant Classification Criteria Version 2. Collection method: clinical testing. Allele origin: germline. Affected: yes. Observed: 1 variant allele.
Comment: ELP1: BP4, BP7